The following is an entry in ClinVar:

ClinVar aggregate classification (germline): Likely benign. Review status: criteria provided, multiple submitters, no conflicts (2 of 4 stars). 3 submissions from 3 submitters: Likely benign (3). Last evaluated 2024-08-01.

Allele frequency attached by ClinVar (database versions not stated): ExAC 0.00007; ESP Exome Variant Server 0.00008; gnomAD 0.00013 and 0.00014; TOPMed 0.00013.
gnomAD v4.1: 52 of 1,613,484 alleles (0.0032%); highest among the groups gnomAD compares: African/African-American, 0.031%; no homozygotes.

Submissions (3):

CeGaT Center for Human Genetics Tuebingen
Classification: Likely benign. Last evaluated: 2024-08-01. Review status: criteria provided, single submitter. Criteria: CeGaT Center For Human Genetics Tuebingen Variant Classification Criteria Version 2. Collection method: clinical testing. Allele origin: germline. Affected: yes. Observed: 1 variant allele.
Comment: TBC1D7: BP4, BP7

Labcorp Genetics (formerly Invitae), Labcorp
Classification: Likely benign. Last evaluated: 2024-06-02. Review status: criteria provided, single submitter. Criteria: Invitae Variant Classification Sherloc (09022015). Collection method: clinical testing. Allele origin: germline.

GeneDx
Classification: Likely benign. Last evaluated: 2020-12-28. Review status: criteria provided, single submitter. Criteria: GeneDx Variant Classification Process June 2021. Collection method: clinical testing. Allele origin: germline. Affected: yes.

NM_016495.6(TBC1D7):c.528G>A (p.Ala176=)

Genes: TBC1D7 (TBC1 domain family member 7; minus strand), TBC1D7-LOC100130357 (TBC1D7-LOC100130357 readthrough; minus strand), LOC126859592 (CDK7 strongly-dependent group 2 enhancer GRCh37_chr6:13307473-13308672; plus strand). Cytogenetic location: 6p24.1.
Variant type: single nucleotide variant.
Coding change: c.528G>A on transcript NM_016495.6 (MANE Select); coding-DNA position 528, G replaced by A.
Protein change: p.Ala176=; no amino-acid change (alanine 176 retained).
Molecular consequence: synonymous variant.
Genome position (GRCh38, 1-based): chr6:13,307,737, C>T on the plus strand (G>A on the coding strand, the complement: TBC1D7 is on the minus strand). VCF-style: chr6-13307737-C-T. GRCh37 (hg19) VCF-style: chr6-13307969-C-T.
Other names: c.528G>A, p.Ala176= (NM_001318809.2, NM_001143964.4, NM_001143965.4 and 1 more transcripts); c.447G>A, p.Ala149= (NM_001143966.4); c.390G>A, p.Ala130= (NM_001258457.3).
Identifiers: ClinVar variation 1186436 (VCV001186436.26), dbSNP rs139301069, ClinGen allele CA3639693.